The following is an entry in ClinVar:

ClinVar aggregate classification (germline): Pathogenic (1 of 4 stars; one submission).

Conditions:
Majeed syndrome (MJDS). Also called: LPIN2-Related Majeed Syndrome; CHRONIC RECURRENT MULTIFOCAL OSTEOMYELITIS 1, WITH CONGENITAL DYSERYTHROPOIETIC ANEMIA, WITH OR WITHOUT NEUTROPHILIC DERMATOSIS. Identifiers: Orphanet 77297, MedGen C1864997, MONDO:0012316, OMIM 609628.

Submission:

Labcorp Genetics (formerly Invitae), Labcorp
Classification: Pathogenic for Majeed syndrome. Last evaluated: 2025-12-13. Review status: criteria provided, single submitter. Criteria: Invitae Variant Classification Sherloc (09022015). Collection method: clinical testing. Allele origin: germline.
Comment: This sequence change creates a premature translational stop signal (p.Phe147Leufs*6) in the LPIN2 gene. It is expected to result in an absent or disrupted protein product. Loss-of-function variants in LPIN2 are known to be pathogenic (PMID: 15994876, 23087183). This variant is not present in population databases (gnomAD no frequency). This variant has not been reported in the literature in individuals affected with LPIN2-related conditions. For these reasons, this variant has been classified as Pathogenic.

Literature cited by the submitters: PubMed 15994876; PubMed 23087183.

NM_001375808.2(LPIN2):c.441del (p.Phe147fs)

Gene: LPIN2 (lipin 2; minus strand). Cytogenetic location: 18p11.31.
Variant type: Deletion.
Coding change: c.441del on transcript NM_001375808.2 (MANE Select); coding-DNA position 441, one base deleted (T; older notation c.441delT).
Protein change: p.Phe147fs; shifts the reading frame from phenylalanine 147.
Molecular consequence: frameshift variant.
Genome position (GRCh38, 1-based): chr18:2,951,204, A deleted on the plus strand (T on the coding strand, the reverse complement: LPIN2 is on the minus strand); the first of 5 consecutive A bases (chr18:2,951,204-2,951,208); deleting any one gives the same sequence. VCF-style (leftmost placement, unchanged base first): chr18-2951203-TA-T. GRCh37 (hg19) VCF-style: chr18-2951201-TA-T.
Other names: c.441del, p.Phe147fs (NM_001375809.1, NM_014646.2); short protein forms F147fs.
Identifiers: ClinVar variation 4732570 (VCV004732570.1).
Genomic context (GRCh38, chr18:2,951,203, plus strand): 5'-TCTTACTGTCCTGTTTGTATTTCTTTCTCCTTCGTTTTTTCTTTTTCACAGAACTTGGAG[TA>T]AAAATTGTCTCTGTTTCCAAGACGTGTGAGATGTCTGAACTCTGAGATGGTGTTTCATCT-3'